The following is an entry in ClinVar:

NM_004006.3(DMD):c.3493G>C (p.Asp1165His)

Gene: DMD (dystrophin; minus strand). Cytogenetic location: Xp21.1.
Variant type: single nucleotide variant.
Coding change: c.3493G>C on transcript NM_004006.3 (MANE Select); coding-DNA position 3493, G replaced by C.
Protein change: p.Asp1165His; replaces aspartic acid 1165 with histidine.
Molecular consequence: missense variant.
Genome position (GRCh38, 1-based): chrX:32,454,772, C>G on the plus strand (G>C on the coding strand, the complement: DMD is on the minus strand). VCF-style: chrX-32454772-C-G. GRCh37 (hg19) VCF-style: chrX-32472889-C-G.
Other names: c.3469G>C, p.Asp1157His (NM_000109.4); c.3481G>C, p.Asp1161His (NM_004009.3); c.3124G>C, p.Asp1042His (NM_004010.3); short protein forms D1157H, D1161H, D1165H, D1042H.
Identifiers: ClinVar variation 3634837 (VCV003634837.2).
Genomic context (GRCh38, chrX:32,454,772, plus strand): 5'-AATCTCTCTCAAGATACTCTTCTTCAGCTTGTGTCATCCATTCGTGCATCTCTGATAGAT[C>G]TTTCTGGAGGCTTACAGTTTTCTCCAAACCTCCCTTCAAGGCCTCCTTTCTGGCATAGAC-3'
Protein context (NP_003997.2, residues 1155-1175): GLEKTVSLQK[Asp1165His]LSEMHEWMTQ

ClinVar aggregate classification (germline): Uncertain significance (1 of 4 stars; one submission).

Conditions:
Duchenne muscular dystrophy (DMD). Also called: MUSCULAR DYSTROPHY, PSEUDOHYPERTROPHIC PROGRESSIVE, DUCHENNE TYPE; Duchenne Muscular Dystrophy (DMD). Identifiers: Orphanet 98896, MedGen C0013264, MONDO:0010679, OMIM 310200.

Submission:

Labcorp Genetics (formerly Invitae), Labcorp
Classification: Uncertain significance for Duchenne muscular dystrophy. Last evaluated: 2024-03-11. Review status: criteria provided, single submitter. Criteria: Invitae Variant Classification Sherloc (09022015). Collection method: clinical testing. Allele origin: germline.
Comment: This sequence change replaces aspartic acid, which is acidic and polar, with histidine, which is basic and polar, at codon 1165 of the DMD protein (p.Asp1165His). This variant is not present in population databases (gnomAD no frequency). This variant has not been reported in the literature in individuals affected with DMD-related conditions. Advanced modeling of protein sequence and biophysical properties (such as structural, functional, and spatial information, amino acid conservation, physicochemical variation, residue mobility, and thermodynamic stability) performed at Invitae indicates that this missense variant is not expected to disrupt DMD protein function with a negative predictive value of 95%. In summary, the available evidence is currently insufficient to determine the role of this variant in disease. Therefore, it has been classified as a Variant of Uncertain Significance.